The following is an entry in ClinVar:

NM_006766.5(KAT6A):c.1172A>C (p.Asp391Ala)

Gene: KAT6A (lysine acetyltransferase 6A; minus strand). Cytogenetic location: 8p11.21.
Variant type: single nucleotide variant.
Coding change: c.1172A>C on transcript NM_006766.5 (MANE Select); coding-DNA position 1172, A replaced by C.
Protein change: p.Asp391Ala; replaces aspartic acid 391 with alanine.
Molecular consequence: missense variant.
Genome position (GRCh38, 1-based): chr8:41,977,199, T>G on the plus strand (A>C on the coding strand, the complement: KAT6A is on the minus strand). VCF-style: chr8-41977199-T-G. GRCh37 (hg19) VCF-style: chr8-41834717-T-G.
Other names: c.1172A>C, p.Asp391Ala (NM_001305878.2); short protein forms D391A.
Identifiers: ClinVar variation 3031323 (VCV003031323.2), dbSNP rs2486807269, ClinGen allele CA371076097.

ClinVar aggregate classification (germline): Uncertain significance (0 of 4 stars; one submission).

Conditions:
KAT6A-related disorder. Also called: KAT6A-related condition.

Submission:

PreventionGenetics, part of Exact Sciences
Classification: Uncertain significance for KAT6A-related condition. Last evaluated: 2023-12-15. Review status: no assertion criteria provided. Collection method: clinical testing. Allele origin: germline.
Comment: The KAT6A c.1172A>C variant is predicted to result in the amino acid substitution p.Asp391Ala. To our knowledge, this variant has not been reported in the literature or in a large population database, indicating this variant is rare. At this time, the clinical significance of this variant is uncertain due to the absence of conclusive functional and genetic evidence.